The following is an entry in ClinVar:

NM_004409.5(DMPK):c.*224CTG[68]

Genes: DM1-AS (DM1 locus antisense RNA; plus strand), DMPK (DM1 protein kinase; minus strand), LOC107075317 (origin of replication in DMPK trinucleotide repeat region; plus strand), LOC109461477 (dystrophia myotonica protein kinase repeat instability region; plus strand). Cytogenetic location: 19q13.32.
Variant type: Microsatellite.
Coding change: c.*224CTG[68] on transcript NM_004409.5 (MANE Select); 68 copies in a row of the 3-base unit CTG starting at c.*224.
Molecular consequence: 3 prime UTR variant.
Genome position: GRCh38, VCF-style position (the base before the change): chr19:45,770,204. GRCh37 (hg19), VCF-style position (the base before the change): chr19:46,273,462.
Other names: DM1 CTG repeat expansion; c.*224CTG[68] (NM_001081560.3, NM_001288764.2, NM_001424165.1 and 1 more transcripts); c.*217CTG[68] (NM_001081562.3, NM_001288765.2, NM_001424162.1 and 2 more transcripts); c.*222_*224TGC[68] (NM_001081563.3); c.*369CTG[68] (NM_001288766.2, NM_001424164.1, NM_001424168.1).
Identifiers: ClinVar variation 188020 (VCV000188020.2), ClinGen allele CA915951850.

ClinVar aggregate classification (germline): Pathogenic (0 of 4 stars; one submission).

Conditions:
Steinert myotonic dystrophy syndrome (DM1). Also called: STEINERT DISEASE; Myotonic dystrophy type 1; Dystrophia myotonica type 1; Steinert myotonic dystrophy; Steinert's disease. Identifiers: Orphanet 273, MedGen C3250443, MONDO:0008056, OMIM 160900.

Submission:

Institute of Molecular, Cell and Systems Biology, University of Glasgow
Classification: Pathogenic for Steinert myotonic dystrophy syndrome. Review status: no assertion criteria provided. Criteria: research. Collection method: research. Allele origin: germline. Inheritance: Autosomal dominant inheritance. Affected: no. Observed: 1 heterozygote.
Comment: DMPK CTG repeat expansions greater than approximately 45-50 repeats are assumed to be pathogenic

This record is based on data published in PubMed 25052313, which reports only ClinVar accessions SCV000120188 and SCV000120189. The complete data set includes SCV000207445 - SCV000207579.

Literature cited by the submitters: PubMed 1346923; PubMed 1546326; PubMed 25052313.